The following is an entry in ClinVar:

ClinVar aggregate classification (germline): Uncertain significance. Review status: criteria provided, multiple submitters, no conflicts (2 of 4 stars). 3 submissions from 3 submitters: Uncertain significance (3). Last evaluated 2024-05-30.

Conditions:
Klippel-Feil anomaly-myopathy-facial dysmorphism syndrome. Also called: Klippel-feil syndrome 4, autosomal recessive, with nemaline myopathy and facial dysmorphism; Klippel-Feil syndrome 4, autosomal recessive, with myopathy and facial dysmorphism. Identifiers: Orphanet 447974, MedGen C4225285, MONDO:0014689, OMIM 616549.
Inborn genetic diseases. Identifiers: MedGen C0950123, MeSH D030342.

Allele frequency attached by ClinVar (database versions not stated): ExAC 0.00002; gnomAD exomes 0.00002; TOPMed 0.00002; gnomAD 0.00003 and 0.00004; ESP Exome Variant Server 0.00008.
gnomAD v4.1: 33 of 1,613,830 alleles (0.002%); highest among the groups gnomAD compares: East Asian, 0.02%; no homozygotes.

Submissions (3):

Ambry Genetics
Classification: Uncertain significance for Inborn genetic diseases. Last evaluated: 2024-05-30. Review status: criteria provided, single submitter. Criteria: Ambry Variant Classification Scheme 2023. Collection method: clinical testing. Allele origin: germline.

Labcorp Genetics (formerly Invitae), Labcorp
Classification: Uncertain significance. Last evaluated: 2022-04-14. Review status: criteria provided, single submitter. Criteria: Invitae Variant Classification Sherloc (09022015). Collection method: clinical testing. Allele origin: germline.
Comment: This sequence change replaces threonine, which is neutral and polar, with methionine, which is neutral and non-polar, at codon 987 of the MYO18B protein (p.Thr987Met). This variant is present in population databases (rs371198573, gnomAD 0.02%). This variant has not been reported in the literature in individuals affected with MYO18B-related conditions. Algorithms developed to predict the effect of missense changes on protein structure and function are either unavailable or do not agree on the potential impact of this missense change (SIFT: "Not Available"; PolyPhen-2: "Possibly Damaging"; Align-GVGD: "Not Available"). In summary, the available evidence is currently insufficient to determine the role of this variant in disease. Therefore, it has been classified as a Variant of Uncertain Significance.

Juno Genomics, Hangzhou Juno Genomics, Inc
Classification: Uncertain significance for Klippel-Feil anomaly-myopathy-facial dysmorphism syndrome. Review status: criteria provided, single submitter. Criteria: ACMG Guidelines, 2015. Collection method: clinical testing. Allele origin: germline. Affected: yes.
Comment: Absent from controls (or at extremely low frequency if recessive) in Genome Aggregation Database, Exome Sequencing Project, 1000 Genomes Project, or Exome Aggregation Consortium.;Patient's phenotype or family history is highly specific for a disease with a single genetic etiology.

NM_032608.7(MYO18B):c.2960C>T (p.Thr987Met)

Gene: MYO18B (myosin XVIIIB; plus strand). Cytogenetic location: 22q12.1.
Variant type: single nucleotide variant.
Coding change: c.2960C>T on transcript NM_032608.7 (MANE Select); coding-DNA position 2960, C replaced by T.
Protein change: p.Thr987Met; replaces threonine 987 with methionine.
Molecular consequence: missense variant.
Genome position (GRCh38, 1-based): chr22:25,828,949, C>T. VCF-style: chr22-25828949-C-T. GRCh37 (hg19) VCF-style: chr22-26224916-C-T.
Other names: c.2960C>T, p.Thr987Met (NM_001318245.2); c.2960C>T (NM_032608.5); short protein forms T987M.
Identifiers: ClinVar variation 1419862 (VCV001419862.6), dbSNP rs371198573, ClinGen allele CA10160380.